The following is an entry in ClinVar:

ClinVar aggregate classification (germline): Likely pathogenic (1 of 4 stars; one submission).

Conditions:
Glycine encephalopathy. Also called: Nonketotic hyperglycinemia; Non-ketotic hyperglycinemia. Identifiers: Orphanet 407, MedGen C0751748, MONDO:0011612, HP:0008288.

Submission:

Labcorp Genetics (formerly Invitae), Labcorp
Classification: Likely pathogenic for Glycine encephalopathy. Last evaluated: 2025-02-03. Review status: criteria provided, single submitter. Criteria: Invitae Variant Classification Sherloc (09022015). Collection method: clinical testing. Allele origin: germline.
Comment: This sequence change affects an acceptor splice site in intron 2 of the GLDC gene. It is expected to disrupt RNA splicing. Variants that disrupt the donor or acceptor splice site typically lead to a loss of protein function (PMID: 16199547), and loss-of-function variants in GLDC are known to be pathogenic (PMID: 16601880). This variant is not present in population databases (gnomAD no frequency). This variant has not been reported in the literature in individuals affected with GLDC-related conditions. Algorithms developed to predict the effect of sequence changes on RNA splicing suggest that this variant may disrupt the consensus splice site. In summary, the currently available evidence indicates that the variant is pathogenic, but additional data are needed to prove that conclusively. Therefore, this variant has been classified as Likely Pathogenic.

Literature cited by the submitters: PubMed 16199547; PubMed 16601880.

NM_000170.3(GLDC):c.335-1G>T

Gene: GLDC (glycine decarboxylase; minus strand). Cytogenetic location: 9p24.1.
Variant type: single nucleotide variant.
Coding change: c.335-1G>T on transcript NM_000170.3 (MANE Select); the canonical splice acceptor site of the intron before coding-DNA position 335, G replaced by T.
Molecular consequence: splice acceptor variant.
Genome position (GRCh38, 1-based): chr9:6,620,320, C>A on the plus strand (G>T on the coding strand, the complement: GLDC is on the minus strand). VCF-style: chr9-6620320-C-A. GRCh37 (hg19) VCF-style: chr9-6620320-C-A.
Identifiers: ClinVar variation 3727880 (VCV003727880.2).